The following is an entry in ClinVar:

ClinVar aggregate classification (germline): Uncertain significance (1 of 4 stars; one submission).

Conditions:
Familial cold autoinflammatory syndrome 3 (FCAS3). Also called: FAMILIAL ATYPICAL COLD URTICARIA; ANTIBODY DEFICIENCY AND IMMUNE DYSREGULATION, PLCG2-ASSOCIATED. Identifiers: Orphanet 300359, MedGen C3280914, MONDO:0013766, OMIM 614468.

Submission:

Labcorp Genetics (formerly Invitae), Labcorp
Classification: Uncertain significance for Familial cold autoinflammatory syndrome 3. Last evaluated: 2024-05-27. Review status: criteria provided, single submitter. Criteria: Invitae Variant Classification Sherloc (09022015). Collection method: clinical testing. Allele origin: germline.
Comment: This sequence change replaces methionine, which is neutral and non-polar, with threonine, which is neutral and polar, at codon 1043 of the PLCG2 protein (p.Met1043Thr). This variant is not present in population databases (gnomAD no frequency). This variant has not been reported in the literature in individuals affected with PLCG2-related conditions. ClinVar contains an entry for this variant (Variation ID: 1490426). An algorithm developed to predict the effect of missense changes on protein structure and function (PolyPhen-2) suggests that this variant is likely to be tolerated. In summary, the available evidence is currently insufficient to determine the role of this variant in disease. Therefore, it has been classified as a Variant of Uncertain Significance.

NM_002661.5(PLCG2):c.3128T>C (p.Met1043Thr)

Gene: PLCG2 (phospholipase C gamma 2; plus strand). Cytogenetic location: 16q23.3.
Variant type: single nucleotide variant.
Coding change: c.3128T>C on transcript NM_002661.5 (MANE Select); coding-DNA position 3128, T replaced by C.
Protein change: p.Met1043Thr; replaces methionine 1043 with threonine.
Molecular consequence: missense variant.
Genome position (GRCh38, 1-based): chr16:81,937,833, T>C. VCF-style: chr16-81937833-T-C. GRCh37 (hg19) VCF-style: chr16-81971438-T-C.
Other names: short protein forms M1043T.
Identifiers: ClinVar variation 1490426 (VCV001490426.8), dbSNP rs2143730925, ClinGen allele CA396906774.
Genomic context (GRCh38, chr16:81,937,833, plus strand): 5'-TGAATCACGCATTGTTTTCTCTCAATGGGCGCACGGGCTACGTTCTGCAGCCTGAGAGCA[T>C]GAGGACAGAGAAATATGACCCGATGCCACCCGAGTCCCAGAGGAAGATCCTGATGACGCT-3'
Protein context (NP_002652.2, residues 1033-1053): RTGYVLQPES[Met1043Thr]RTEKYDPMPP